The following is an entry in ClinVar:

NM_006269.2(RP1):c.6110T>C (p.Leu2037Ser)

Gene: RP1 (RP1 axonemal microtubule associated; plus strand). Cytogenetic location: 8q12.1.
Variant type: single nucleotide variant.
Coding change: c.6110T>C on transcript NM_006269.2 (MANE Select); coding-DNA position 6110, T replaced by C.
Protein change: p.Leu2037Ser; replaces leucine 2037 with serine.
Molecular consequence: missense variant. On other transcripts: intron variant (1).
Genome position (GRCh38, 1-based): chr8:54,629,992, T>C. VCF-style: chr8-54629992-T-C. GRCh37 (hg19) VCF-style: chr8-55542552-T-C.
Other names: c.787+7704T>C (NM_001375654.1); short protein forms L2037S.
Identifiers: ClinVar variation 1487620 (VCV001487620.8), dbSNP rs777037136, ClinGen allele CA4752183.

ClinVar aggregate classification (germline): Uncertain significance (1 of 4 stars; one submission).

Allele frequency attached by ClinVar (database versions not stated): gnomAD 0.00001; gnomAD exomes 0.00001 and 0.00002; TOPMed 0.00001; ExAC 0.00002.
gnomAD v4.1: 6 of 1,613,942 alleles (0.00037%); highest among the groups gnomAD compares: Admixed American, 0.0083%; no homozygotes.

Submission:

Labcorp Genetics (formerly Invitae), Labcorp
Classification: Uncertain significance. Last evaluated: 2025-12-31. Review status: criteria provided, single submitter. Criteria: Invitae Variant Classification Sherloc (09022015). Collection method: clinical testing. Allele origin: germline.
Comment: This sequence change replaces leucine, which is neutral and non-polar, with serine, which is neutral and polar, at codon 2037 of the RP1 protein (p.Leu2037Ser). This variant is present in population databases (rs777037136, gnomAD 0.01%). This variant has not been reported in the literature in individuals affected with RP1-related conditions. ClinVar contains an entry for this variant (Variation ID: 1487620). An algorithm developed to predict the effect of missense changes on protein structure and function (PolyPhen-2) suggests that this variant is likely to be disruptive. In summary, the available evidence is currently insufficient to determine the role of this variant in disease. Therefore, it has been classified as a Variant of Uncertain Significance.